The following is an entry in ClinVar:

NM_130466.4(UBE3B):c.726T>C (p.Ala242=)

Gene: UBE3B (ubiquitin protein ligase E3B; plus strand). Cytogenetic location: 12q24.11.
Variant type: single nucleotide variant.
Coding change: c.726T>C on transcript NM_130466.4 (MANE Select); coding-DNA position 726, T replaced by C.
Protein change: p.Ala242=; no amino-acid change (alanine 242 retained).
Molecular consequence: synonymous variant.
Genome position (GRCh38, 1-based): chr12:109,497,830, T>C. VCF-style: chr12-109497830-T-C. GRCh37 (hg19) VCF-style: chr12-109935635-T-C.
Other names: c.726T>C, p.Ala242= (NM_183415.3).
Identifiers: ClinVar variation 1958735 (VCV001958735.19), dbSNP rs138691275, ClinGen allele CA6777669.
Genomic context (GRCh38, chr12:109,497,830, plus strand): 5'-GGATGCACACGGAGACCTGTCTGAATGAGTGGATCTATCTGTGTCTAGCCCTGTGATTGC[T>C]GCACAGTTCTCAGACAATCTGATTCGGCCGTTCCTCATCCACATCATGTCTGTGCCTGCT-3'
Protein context (NP_569733.2, residues 232-252): AFSLALRPVI[Ala242=]AQFSDNLIRP

ClinVar aggregate classification (germline): Likely benign. Review status: criteria provided, multiple submitters, no conflicts (2 of 4 stars). 2 submissions from 2 submitters: Likely benign (2). Last evaluated 2025-11-17.

Allele frequency attached by ClinVar (database versions not stated): TOPMed 0.00011; gnomAD 0.00013; ExAC 0.00016; gnomAD exomes 0.00018; ESP Exome Variant Server 0.00023.

Submissions (2):

Labcorp Genetics (formerly Invitae), Labcorp
Classification: Likely benign. Last evaluated: 2025-11-17. Review status: criteria provided, single submitter. Criteria: Invitae Variant Classification Sherloc (09022015). Collection method: clinical testing. Allele origin: germline.

CeGaT Center for Human Genetics Tuebingen
Classification: Likely benign. Last evaluated: 2025-01-01. Review status: criteria provided, single submitter. Criteria: CeGaT Center For Human Genetics Tuebingen Variant Classification Criteria Version 2. Collection method: clinical testing. Allele origin: germline. Affected: yes. Observed: 2 variant alleles.
Comment: UBE3B: BP4, BP7